The following is an entry in ClinVar:

ClinVar aggregate classification (germline): Pathogenic (1 of 4 stars; one submission).

Conditions:
X-linked lymphoproliferative disease due to XIAP deficiency. Also called: XIAP DEFICIENCY; XIAP-Related Lymphoproliferative Disease, X-Linked. Identifiers: Orphanet 2442, Orphanet 538934, MedGen C1845076, MONDO:0010385, OMIM 300635.

Submission:

Labcorp Genetics (formerly Invitae), Labcorp
Classification: Pathogenic for X-linked lymphoproliferative disease due to XIAP deficiency. Last evaluated: 2021-09-20. Review status: criteria provided, single submitter. Criteria: Invitae Variant Classification Sherloc (09022015). Collection method: clinical testing. Allele origin: germline.
Comment: This variant is not present in population databases (ExAC no frequency). For these reasons, this variant has been classified as Pathogenic. This variant has not been reported in the literature in individuals affected with XIAP-related conditions. This sequence change creates a premature translational stop signal (p.Asn252Lysfs*15) in the XIAP gene. It is expected to result in an absent or disrupted protein product. Loss-of-function variants in XIAP are known to be pathogenic (PMID: 17080092, 21119115, 25666262).

Literature cited by the submitters: PubMed 17080092; PubMed 21119115; PubMed 25666262.

NM_001167.4(XIAP):c.755dup (p.Asn252fs)

Gene: XIAP (X-linked inhibitor of apoptosis; plus strand). Cytogenetic location: Xq25.
Variant type: Duplication.
Coding change: c.755dup on transcript NM_001167.4 (MANE Select); coding-DNA position 755, one base duplicated (A; older notation c.755dupA).
Protein change: p.Asn252fs; shifts the reading frame from asparagine 252.
Molecular consequence: frameshift variant.
Genome position (GRCh38, 1-based): chrX:123,886,417, A duplicated; the last of 3 consecutive A bases (chrX:123,886,415-123,886,417); duplicating any one gives the same sequence. VCF-style (leftmost placement, unchanged base first): chrX-123886414-C-CA. GRCh37 (hg19) VCF-style: chrX-123020264-C-CA.
Other names: c.755dup, p.Asn252fs (NM_001204401.2, NM_001378590.1, NM_001378591.1 and 1 more transcripts); short protein forms N252fs.
Identifiers: ClinVar variation 1375770 (VCV001375770.6), dbSNP rs2148090158, ClinGen allele CA2573159217.